The following is an entry in ClinVar:

NM_000426.4(LAMA2):c.3037+1G>T

Gene: LAMA2 (laminin subunit alpha 2; plus strand). Cytogenetic location: 6q22.33.
Variant type: single nucleotide variant.
Coding change: c.3037+1G>T on transcript NM_000426.4 (MANE Select); the canonical splice donor site of the intron after coding-DNA position 3037, G replaced by T.
Molecular consequence: splice donor variant.
Genome position (GRCh38, 1-based): chr6:129,297,866, G>T. VCF-style: chr6-129297866-G-T. GRCh37 (hg19) VCF-style: chr6-129619011-G-T.
Other names: c.3037+1G>T (NM_001079823.2).
Identifiers: ClinVar variation 1066222 (VCV001066222.11), dbSNP rs1773291512, ClinGen allele CA365611300.
Genomic context (GRCh38, chr6:129,297,866, plus strand): 5'-GGAAGAAATGTGACCGCTGTGCCCACGGCTATTTCAACTTCCAAGAAGGAGGCTGCACAG[G>T]TCTGTAAATATGACTTAAGTCCTACATATTCACTCTGATAGTTTTAGGGTCTGACTTCTG-3'

ClinVar aggregate classification (germline): Pathogenic/Likely pathogenic. Review status: criteria provided, multiple submitters, no conflicts (2 of 4 stars). 2 submissions from 2 submitters: Pathogenic (1); Likely pathogenic (1). Last evaluated 2024-02-11.

Conditions:
LAMA2-related muscular dystrophy (LAMA2-RD). Also called: Laminin alpha 2-related dystrophy. Identifiers: MedGen C5679788, MONDO:0100228.
Merosin deficient congenital muscular dystrophy (MDC1A). Also called: Congenital merosin-deficient muscular dystrophy 1A; Congenital Muscular Dystrophy Type 1A (MDC1A). Identifiers: Orphanet 258, MedGen C1263858, MONDO:0011925, OMIM 607855.

Allele frequency attached by ClinVar (database versions not stated): gnomAD exomes below 0.00001; TOPMed below 0.00001.
gnomAD v4.1: 4 of 1,612,972 alleles (0.00025%); highest among the groups gnomAD compares: Admixed American, 0.0017%; no homozygotes.

Submissions (2):

Baylor Genetics
Classification: Pathogenic for Merosin deficient congenital muscular dystrophy. Last evaluated: 2024-02-11. Review status: criteria provided, single submitter. Criteria: ACMG Guidelines, 2015. Collection method: clinical testing. Allele origin: unknown.

Labcorp Genetics (formerly Invitae), Labcorp
Classification: Likely pathogenic for LAMA2-related muscular dystrophy. Last evaluated: 2020-12-31. Review status: criteria provided, single submitter. Criteria: Invitae Variant Classification Sherloc (09022015). Collection method: clinical testing. Allele origin: germline.
Comment: In summary, the currently available evidence indicates that the variant is pathogenic, but additional data are needed to prove that conclusively. Therefore, this variant has been classified as Likely Pathogenic. Donor and acceptor splice site variants typically lead to a loss of protein function (PMID: 16199547), and loss-of-function variants in LAMA2 are known to be pathogenic (PMID: 18700894). Algorithms developed to predict the effect of sequence changes on RNA splicing suggest that this variant may disrupt the consensus splice site, but this prediction has not been confirmed by published transcriptional studies. This variant has been observed in individual(s) with congenital muscular dystrophy (PMID: 29382405). This variant is not present in population databases (ExAC no frequency). This sequence change affects a donor splice site in intron 21 of the LAMA2 gene. It is expected to disrupt RNA splicing and likely results in an absent or disrupted protein product.

Literature cited by the submitters: PubMed 16199547 (cited by Labcorp Genetics (formerly Invitae), Labcorp); PubMed 18700894 (cited by Labcorp Genetics (formerly Invitae), Labcorp); PubMed 29382405 (cited by Labcorp Genetics (formerly Invitae), Labcorp).